The following is an entry in ClinVar:

NM_020320.4(RARS2):c.1037_1040dup

Gene: RARS2 (arginyl-tRNA synthetase 2, mitochondrial; minus strand). Cytogenetic location: 6q15.
Variant type: Duplication.
Coding change: c.1037_1040dup on transcript NM_020320.4; coding-DNA positions 1037 to 1040, 4 bases duplicated (CAGA; older notation c.1037_1040dupCAGA).
Genome position (GRCh38, 1-based): chr6:87,520,252-87,520,255, TCTG duplicated on the plus strand (CAGA on the coding strand, the reverse complement: RARS2 is on the minus strand); duplicating any 4 consecutive bases within chr6:87,520,252-87,520,258 gives the same sequence; the c. name uses the placement nearest the transcript's 3' end. VCF-style (leftmost placement, unchanged base first): chr6-87520251-A-ATCTG. GRCh37 (hg19) VCF-style: chr6-88229969-A-ATCTG.
Identifiers: ClinVar variation 4816043 (VCV004816043.1).

ClinVar aggregate classification (germline): Likely pathogenic (1 of 4 stars; one submission).

Conditions:
Pontocerebellar hypoplasia type 6 (PCH6). Identifiers: Orphanet 166073, MedGen C1969084, MONDO:0012683, OMIM 611523.

Submission:

Natera, Inc.
Classification: Likely pathogenic for Pontocerebellar hypoplasia, type 6. Last evaluated: 2024-10-09. Review status: criteria provided, single submitter. Criteria: Natera Variant Classification Schema (03/2026). Collection method: clinical testing. Allele origin: germline.
Comment: The c.1037_1040dup variant in RARS2 is a frameshift variant predicted to shift the reading frame beginning at codon 348 and leads to a stop codon 2 codons downstream. This variant is expected to result in nonsense mediated decay, truncation, or a dysfunctional protein product. This variant is rare in the general population with a frequency below the threshold expected for the associated phenotype(s). Given the available evidence, this variant is classified as Likely Pathogenic.